The following is an entry in ClinVar:

NM_058216.3(RAD51C):c.533A>C (p.Gln178Pro)

Gene: RAD51C (RAD51 paralog C; plus strand). Cytogenetic location: 17q22.
Variant type: single nucleotide variant.
Coding change: c.533A>C on transcript NM_058216.3 (MANE Select); coding-DNA position 533, A replaced by C.
Protein change: p.Gln178Pro; replaces glutamine 178 with proline.
Molecular consequence: missense variant.
Genome position (GRCh38, 1-based): chr17:58,696,821, A>C. VCF-style: chr17-58696821-A-C. GRCh37 (hg19) VCF-style: chr17-56774182-A-C.
Other names: short protein forms Q178P.
Identifiers: ClinVar variation 929792 (VCV000929792.4), dbSNP rs1598460753, ClinGen allele CA400345202.
Genomic context (GRCh38, chr17:58,696,821, plus strand): 5'-TTGATACAGAGGGAAGTTTTATGGTTGATAGAGTGGTAGACCTTGCTACTGCCTGCATTC[A>C]GCACCTTCAGCTTATAGCAGAAAAACACAAGGGAGAGGGTAAGTTAGTAAATGATCTTCT-3'
Protein context (NP_478123.1, residues 168-188): RVVDLATACI[Gln178Pro]HLQLIAEKHK

ClinVar aggregate classification (germline): Uncertain significance. Review status: criteria provided, multiple submitters, no conflicts (2 of 4 stars). 3 submissions from 3 submitters: Uncertain significance (2). 1 of the submissions does not count toward it. Last evaluated 2025-02-12.

Conditions:
Fanconi anemia complementation group O. Also called: RAD51C-Related Fanconi Anemia. Identifiers: Orphanet 84, MedGen C3150653, MONDO:0013248, OMIM 613390.
Hereditary cancer-predisposing syndrome. Also called: Tumor predisposition; Hereditary neoplastic syndrome; Neoplastic Syndromes, Hereditary; Hereditary Cancer Syndrome. Identifiers: Orphanet 140162, MedGen C0027672, MeSH D009386, MONDO:0015356.

gnomAD v4.1: 3 of 1,614,214 alleles (0.00019%); highest among the groups gnomAD compares: Non-Finnish European, 0.00025%; no homozygotes.

Submissions (3):

Labcorp Genetics (formerly Invitae), Labcorp
Classification: Uncertain significance for Fanconi anemia complementation group O. Last evaluated: 2025-02-12. Review status: criteria provided, single submitter. Criteria: Invitae Variant Classification Sherloc (09022015). Collection method: clinical testing. Allele origin: germline.
Comment: This sequence change replaces glutamine, which is neutral and polar, with proline, which is neutral and non-polar, at codon 178 of the RAD51C protein (p.Gln178Pro). This variant is not present in population databases (gnomAD no frequency). This missense change has been observed in individual(s) with hereditary breast and ovarian cancer syndrome (PMID: 21990120). ClinVar contains an entry for this variant (Variation ID: 929792). An algorithm developed to predict the effect of missense changes on protein structure and function (PolyPhen-2) suggests that this variant is likely to be tolerated. In summary, the available evidence is currently insufficient to determine the role of this variant in disease. Therefore, it has been classified as a Variant of Uncertain Significance.

Ambry Genetics
Classification: Uncertain significance for Hereditary cancer-predisposing syndrome. Last evaluated: 2022-12-20. Review status: criteria provided, single submitter. Criteria: Ambry Variant Classification Scheme 2023. Collection method: clinical testing. Allele origin: germline.
Comment: The p.Q178P variant (also known as c.533A>C), located in coding exon 3 of the RAD51C gene, results from an A to C substitution at nucleotide position 533. The glutamine at codon 178 is replaced by proline, an amino acid with similar properties. This amino acid position is well conserved in available vertebrate species. In addition, the in silico prediction for this alteration is inconclusive. Since supporting evidence is limited at this time, the clinical significance of this alteration remains unclear.

Leiden Open Variation Database
Classification: Uncertain significance. Last evaluated: 2011-08-25. Review status: no assertion criteria provided. Collection method: curation. Allele origin: germline. Affected: yes. Not counted in ClinVar's aggregate classification.
Comment: Curator: Arleen D. Auerbach. Submitter to LOVD: Ian Campbell.

Literature cited by the submitters: PubMed 21990120 (cited by Labcorp Genetics (formerly Invitae), Labcorp and Leiden Open Variation Database).